The following is an entry in ClinVar:

NM_006941.4(SOX10):c.424T>C (p.Trp142Arg)

Genes: POLR2F (RNA polymerase II, I and III subunit F; plus strand), SOX10 (SRY-box transcription factor 10; minus strand). Cytogenetic location: 22q13.1.
Variant type: single nucleotide variant.
Coding change: c.424T>C on transcript NM_006941.4 (MANE Select); coding-DNA position 424, T replaced by C.
Protein change: p.Trp142Arg; replaces tryptophan 142 with arginine.
Molecular consequence: missense variant. On other transcripts: intron variant (3).
Genome position (GRCh38, 1-based): chr22:37,983,361, A>G on the plus strand (T>C on the coding strand, the complement: SOX10 is on the minus strand). VCF-style: chr22-37983361-A-G. GRCh37 (hg19) VCF-style: chr22-38379368-A-G.
Other names: c.294-2793A>G (NM_001301130.2); c.293+16191A>G (NM_001301131.2); c.*38+11051A>G (NM_001363825.1); short protein forms W142R.
Identifiers: ClinVar variation 505653 (VCV000505653.7), dbSNP rs1555939408, ClinGen allele CA411500003.

ClinVar aggregate classification (germline): Pathogenic/Likely pathogenic. Review status: criteria provided, multiple submitters, no conflicts (2 of 4 stars). 2 submissions from 2 submitters: Pathogenic (1); Likely pathogenic (1). Last evaluated 2019-01-01.

Conditions:
Rare genetic deafness. Identifiers: Orphanet 96210, MedGen C5680250.
Waardenburg syndrome type 2E (WS2E). Also called: WAARDENBURG SYNDROME, TYPE 2E, WITH OR WITHOUT NEUROLOGIC INVOLVEMENT; WS2E, WITH OR WITHOUT NEUROLOGIC INVOLVEMENT; HYPOGONADOTROPIC HYPOGONADISM WITH ANOSMIA AND DEAFNESS, WITH OR WITHOUT HYPOPIGMENTATION. Identifiers: Orphanet 3440, MedGen C2700405, MONDO:0012698, OMIM 611584.

Submissions (2):

Genetic Testing Center for Deafness, Department of Otolaryngology Head & Neck Surgery, Institute of Otolaryngology, Chinese PLA General Hospital
Classification: Pathogenic for Waardenburg syndrome type 2E. Last evaluated: 2019-01-01. Review status: criteria provided, single submitter. Criteria: ACMG Guidelines, 2015. Collection method: clinical testing. Allele origin: de novo. Affected: yes.

Laboratory for Molecular Medicine, Mass General Brigham Personalized Medicine
Classification: Likely pathogenic for Rare genetic deafness. Last evaluated: 2017-06-20. Review status: criteria provided, single submitter. Criteria: LMM Criteria. Collection method: clinical testing. Allele origin: germline. Inheritance: Autosomal dominant inheritance. Observed: 1 variant allele.
Comment: The p.Trp142Arg variant in SOX10 has been reported in one individual with Kallma nn syndrome who had prelingual hearing loss and temporal bone abnormalities, inc luding hypoplasia of the semicircular canals and an enlarged vestibular aqueduct (Pingault 2013). This variant has not been identified in large population studies. In vitro studies showed that th e p.Trp142Arg variant altered the ability of SOX10 to localize to the nucleus an d to transactivate MITF and MPZ genes (Pingault 2013). Computational prediction tools and conservation analyses suggest that this variant may impact the protein . In summary, although additional studies are required to fully establish its c linical significance, this variant is likely pathogenic for autosomal dominant h earing loss with temporal bone abnormalities based on its presence in multiple a ffected individuals, likely de novo occurrence, extremely low frequency in the g eneral population, and supportive functional evidence.

Literature cited by the submitters: PubMed 23643381 (cited by Laboratory for Molecular Medicine, Mass General Brigham Personalized Medicine).